The following is an entry in ClinVar:

NM_178160.3(OTOP2):c.1305C>T (p.His435=)

Gene: OTOP2 (otopetrin 2; plus strand). Cytogenetic location: 17q25.1.
Variant type: single nucleotide variant.
Coding change: c.1305C>T on transcript NM_178160.3 (MANE Select); coding-DNA position 1305, C replaced by T.
Protein change: p.His435=; no amino-acid change (histidine 435 retained).
Molecular consequence: synonymous variant.
Genome position (GRCh38, 1-based): chr17:74,930,940, C>T. VCF-style: chr17-74930940-C-T. GRCh37 (hg19) VCF-style: chr17-72927035-C-T.
Identifiers: ClinVar variation 3901856 (VCV003901856.1).

ClinVar aggregate classification (germline): Likely benign (1 of 4 stars; one submission).

Conditions:
Meniere disease. Also called: Ménière's disease. Identifiers: MedGen C0025281, MONDO:0007972, OMIM 156000.

gnomAD v4.1: 1 of 1,614,122 alleles (0.000062%); highest among the groups gnomAD compares: Non-Finnish European, 0.000085%; no homozygotes.

Submission:

Meniere Disease Neuroscience Research Program, Faculty of Medicine and Health, Kolling Institute, The University of Sydney
Classification: Likely benign for Meniere disease. Last evaluated: 2025-05-25. Review status: criteria provided, single submitter. Criteria: ClinGen HL ACMG Specifications v1. Collection method: research. Allele origin: germline. Affected: yes.
Comment: This variant has an amino acid change at p.His435Gln. This indivial shares mutation chr17:74930726:C>T in the OTOP2 gene.